The following is an entry in ClinVar:

ClinVar aggregate classification (germline): Uncertain significance. Review status: criteria provided, multiple submitters, no conflicts (2 of 4 stars). 2 submissions from 2 submitters: Uncertain significance (2). Last evaluated 2024-06-26.

Conditions:
Inborn genetic diseases. Identifiers: MedGen C0950123, MeSH D030342.
Developmental and epileptic encephalopathy, 30 (DEE30). Also called: Epileptic encephalopathy, early infantile, 30. Identifiers: MedGen C4225360, MONDO:0014595, OMIM 616341.

Allele frequency attached by ClinVar (database versions not stated): gnomAD exomes 0.00001.

Submissions (2):

Ambry Genetics
Classification: Uncertain significance for Inborn genetic diseases. Last evaluated: 2024-06-26. Review status: criteria provided, single submitter. Criteria: Ambry Variant Classification Scheme 2023. Collection method: clinical testing. Allele origin: germline.

Labcorp Genetics (formerly Invitae), Labcorp
Classification: Uncertain significance for Developmental and epileptic encephalopathy, 30. Last evaluated: 2022-03-25. Review status: criteria provided, single submitter. Criteria: Invitae Variant Classification Sherloc (09022015). Collection method: clinical testing. Allele origin: germline.
Comment: In summary, the available evidence is currently insufficient to determine the role of this variant in disease. Therefore, it has been classified as a Variant of Uncertain Significance. Advanced modeling of protein sequence and biophysical properties (such as structural, functional, and spatial information, amino acid conservation, physicochemical variation, residue mobility, and thermodynamic stability) performed at Invitae indicates that this missense variant is not expected to disrupt SIK1 protein function. ClinVar contains an entry for this variant (Variation ID: 858456). This variant has not been reported in the literature in individuals affected with SIK1-related conditions. This variant is present in population databases (no rsID available, gnomAD 0.008%). This sequence change replaces serine, which is neutral and polar, with cysteine, which is neutral and slightly polar, at codon 463 of the SIK1 protein (p.Ser463Cys).

NM_173354.5(SIK1):c.1388C>G (p.Ser463Cys)

Gene: SIK1 (salt inducible kinase 1; minus strand). Cytogenetic location: 21q22.3.
Variant type: single nucleotide variant.
Coding change: c.1388C>G on transcript NM_173354.5 (MANE Select); coding-DNA position 1388, C replaced by G.
Protein change: p.Ser463Cys; replaces serine 463 with cysteine.
Molecular consequence: missense variant.
Genome position (GRCh38, 1-based): chr21:43,419,095, G>C on the plus strand (C>G on the coding strand, the complement: SIK1 is on the minus strand). VCF-style: chr21-43419095-G-C. GRCh37 (hg19) VCF-style: chr21-44838975-G-C.
Other names: short protein forms S463C.
Identifiers: ClinVar variation 858456 (VCV000858456.11), dbSNP rs1022873540, ClinGen allele CA321325870.